The following is an entry in ClinVar:

NM_024426.6(WT1):c.1264+6T>A

Gene: WT1 (WT1 transcription factor; minus strand). Cytogenetic location: 11p13.
Variant type: single nucleotide variant.
Coding change: c.1264+6T>A on transcript NM_024426.6 (MANE Select); 6 bases into the intron after coding-DNA position 1264, T replaced by A.
Molecular consequence: intron variant.
Genome position (GRCh38, 1-based): chr11:32,396,251, A>T on the plus strand (T>A on the coding strand, the complement: WT1 is on the minus strand). VCF-style: chr11-32396251-A-T. GRCh37 (hg19) VCF-style: chr11-32417797-A-T.
Other names: c.1090+6T>A (NM_001407050.1); c.1141+6T>A (NM_001407047.1); c.1213+6T>A (NM_001407048.1, NM_001407049.1, NM_000378.6 and 1 more transcripts); c.1258+6T>A (NM_001407044.1); c.1264+6T>A (NM_001407046.1, NM_024424.5); c.502+6T>A (NM_001407051.1); c.562+6T>A (NM_001198552.2); c.613+6T>A (NM_001198551.2); and 1 more.
Identifiers: ClinVar variation 864814 (VCV000864814.11), dbSNP rs1366602349, ClinGen allele CA916081629.

ClinVar aggregate classification (germline): Uncertain significance (1 of 4 stars; one submission).

Conditions:
Drash syndrome (DDS). Also called: WILMS TUMOR AND PSEUDO- OR TRUE HERMAPHRODITISM; NEPHROPATHY, WILMS TUMOR, AND GENITAL ANOMALIES. Identifiers: Orphanet 220, MedGen C0950121, MONDO:0008682, OMIM 194080.
Frasier syndrome. Identifiers: Orphanet 347, MedGen C0950122, MeSH D052159, MONDO:0007635, OMIM 136680.
Wilms tumor 1 (WT1). Also called: Wilms tumor, somatic. Identifiers: Orphanet 654, MedGen CN033288, MONDO:0008679, OMIM 194070.
11p partial monosomy syndrome (WAGR). Also called: CHROMOSOME 11p13 DELETION SYNDROME; WAGR Complex; WAGR syndrome; WAGR Spectrum Disorder. Identifiers: Orphanet 893, MedGen C0206115, MONDO:0008681, OMIM 194072.

Submission:

Labcorp Genetics (formerly Invitae), Labcorp
Classification: Uncertain significance for Wilms tumor 1; Drash syndrome; 11p partial monosomy syndrome; Frasier syndrome. Last evaluated: 2020-11-21. Review status: criteria provided, single submitter. Criteria: Invitae Variant Classification Sherloc (09022015). Collection method: clinical testing. Allele origin: germline.
Comment: This sequence change falls in intron 7 of the WT1 gene. It does not directly change the encoded amino acid sequence of the WT1 protein, but it affects a nucleotide within the consensus splice site of the intron. This variant is not present in population databases (ExAC no frequency). This variant has not been reported in the literature in individuals with WT1-related conditions. Nucleotide substitutions within the consensus splice site are a relatively common cause of aberrant splicing (PMID: 17576681, 9536098). Algorithms developed to predict the effect of sequence changes on RNA splicing suggest that this variant is not likely to affect RNA splicing, but this prediction has not been confirmed by published transcriptional studies. In summary, the available evidence is currently insufficient to determine the role of this variant in disease. Therefore, it has been classified as a Variant of Uncertain Significance.

Literature cited by the submitters: PubMed 17576681; PubMed 9536098.